The following is an entry in ClinVar:

ClinVar aggregate classification (germline): Uncertain significance (1 of 4 stars; one submission).

Allele frequency attached by ClinVar (database versions not stated): TOPMed below 0.00001; gnomAD 0.00001; gnomAD exomes 0.00001; ExAC 0.00002; ESP Exome Variant Server 0.00008.
gnomAD v4.1: 19 of 1,613,852 alleles (0.0012%); highest among the groups gnomAD compares: Non-Finnish European, 0.0016%; no homozygotes.

Submission:

Labcorp Genetics (formerly Invitae), Labcorp
Classification: Uncertain significance. Last evaluated: 2025-09-10. Review status: criteria provided, single submitter. Criteria: Invitae Variant Classification Sherloc (09022015). Collection method: clinical testing. Allele origin: germline.
Comment: This sequence change replaces asparagine, which is neutral and polar, with aspartic acid, which is acidic and polar, at codon 528 of the HMCN1 protein (p.Asn528Asp). This variant is present in population databases (rs139589167, gnomAD 0.003%). This variant has not been reported in the literature in individuals affected with HMCN1-related conditions. ClinVar contains an entry for this variant (Variation ID: 1933921). An algorithm developed to predict the effect of missense changes on protein structure and function (PolyPhen-2) suggests that this variant is likely to be disruptive. In summary, the available evidence is currently insufficient to determine the role of this variant in disease. Therefore, it has been classified as a Variant of Uncertain Significance.

NM_031935.3(HMCN1):c.1582A>G (p.Asn528Asp)

Gene: HMCN1 (hemicentin 1; plus strand). Cytogenetic location: 1q31.1.
Variant type: single nucleotide variant.
Coding change: c.1582A>G on transcript NM_031935.3 (MANE Select); coding-DNA position 1582, A replaced by G.
Protein change: p.Asn528Asp; replaces asparagine 528 with aspartic acid.
Molecular consequence: missense variant.
Genome position (GRCh38, 1-based): chr1:185,933,578, A>G. VCF-style: chr1-185933578-A-G. GRCh37 (hg19) VCF-style: chr1-185902710-A-G.
Other names: short protein forms N528D.
Identifiers: ClinVar variation 1933921 (VCV001933921.5), dbSNP rs139589167, ClinGen allele CA1291164.